The following is an entry in ClinVar:

ClinVar aggregate classification (germline): Likely benign (0 of 4 stars; one submission).

Conditions:
INPP5E-related disorder. Also called: INPP5E-related condition.

Submission:

PreventionGenetics, part of Exact Sciences
Classification: Likely benign for INPP5E-related condition. Last evaluated: 2022-12-16. Review status: no assertion criteria provided. Collection method: clinical testing. Allele origin: germline.
Comment: This variant is classified as likely benign based on ACMG/AMP sequence variant interpretation guidelines (Richards et al. 2015 PMID: 25741868, with internal and published modifications).

NM_019892.6(INPP5E):c.1302G>A (p.Glu434=)

Gene: INPP5E (inositol polyphosphate-5-phosphatase E; minus strand). Cytogenetic location: 9q34.3.
Variant type: single nucleotide variant.
Coding change: c.1302G>A on transcript NM_019892.6 (MANE Select); coding-DNA position 1302, G replaced by A.
Protein change: p.Glu434=; no amino-acid change (glutamic acid 434 retained).
Molecular consequence: synonymous variant.
Genome position (GRCh38, 1-based): chr9:136,432,564, C>T on the plus strand (G>A on the coding strand, the complement: INPP5E is on the minus strand). VCF-style: chr9-136432564-C-T. GRCh37 (hg19) VCF-style: chr9-139327016-C-T.
Other names: c.1299G>A, p.Glu433= (NM_001318502.2).
Identifiers: ClinVar variation 3356681 (VCV003356681.1).
Genomic context (GRCh38, chr9:136,432,564, plus strand): 5'-GTCGGGCACATTTCTGGGCAGGACCAGGGCTTGTACAGTCCTGGTGTAGTCCAGCAGCCG[C>T]TCCGCCACCTTCCCGTCACCTGCTGTGGGAACAGAAATGGGGTAGGGACCACAGGGTTCC-3'
Protein context (NP_063945.2, residues 424-444): HFTSGDGKVA[Glu434=]RLLDYTRTVQ